The following is an entry in ClinVar:

ClinVar aggregate classification (germline): Pathogenic/Likely pathogenic. Review status: criteria provided, multiple submitters, no conflicts (2 of 4 stars). 7 submissions from 7 submitters: Pathogenic (4); Likely pathogenic (2). 1 of the submissions does not count toward it. Last evaluated 2025-12-29.

Conditions:
Macrothrombocytopenia. Identifiers: MedGen C2751260, HP:0040185.
Platelet-type bleeding disorder 15 (BDPLT15). Also called: MACROTHROMBOCYTOPENIA, AUTOSOMAL DOMINANT, ACTN1-RELATED. Identifiers: Orphanet 140957, MedGen C3554663, MONDO:0014078, OMIM 615193.

Allele frequency attached by ClinVar (database versions not stated): gnomAD exomes 0.00001.
gnomAD v4.1: 4 of 1,613,062 alleles (0.00025%); highest among the groups gnomAD compares: Non-Finnish European, 0.00034%; no homozygotes.

Submissions (7):

Center for Genomic Medicine, Rigshospitalet, Copenhagen University Hospital
Classification: Pathogenic. Last evaluated: 2025-12-29. Review status: criteria provided, single submitter. Criteria: ACMG Guidelines, 2015. Collection method: clinical testing. Allele origin: germline.
Comment: Classification criteria: PP3_Moderate, PM2_Supporting, PS4_Moderate, PS3, PP4

Labcorp Genetics (formerly Invitae), Labcorp
Classification: Pathogenic. Last evaluated: 2025-10-05. Review status: criteria provided, single submitter. Criteria: Invitae Variant Classification Sherloc (09022015). Collection method: clinical testing. Allele origin: germline.
Comment: This sequence change replaces arginine, which is basic and polar, with glutamine, which is neutral and polar, at codon 46 of the ACTN1 protein (p.Arg46Gln). This variant is not present in population databases (gnomAD no frequency). This missense change has been observed in individual(s) with macrothrombocytopenia (PMID: 23434115, 24069336). It has also been observed to segregate with disease in related individuals. ClinVar contains an entry for this variant (Variation ID: 42031). Invitae Evidence Modeling of protein sequence and biophysical properties (such as structural, functional, and spatial information, amino acid conservation, physicochemical variation, residue mobility, and thermodynamic stability) indicates that this missense variant is expected to disrupt ACTN1 protein function with a positive predictive value of 80%. This variant disrupts the p.Arg46 amino acid residue in ACTN1. Other variant(s) that disrupt this residue have been determined to be pathogenic (PMID: 25361813). This suggests that this residue is clinically significant, and that variants that disrupt this residue are likely to be disease-causing. For these reasons, this variant has been classified as Pathogenic.

Genomic Medicine Center of Excellence, King Faisal Specialist Hospital and Research Centre
Classification: Likely pathogenic for Platelet-type bleeding disorder 15. Last evaluated: 2024-04-04. Review status: criteria provided, single submitter. Criteria: ACMG Guidelines, 2015. Collection method: clinical testing. Allele origin: germline.

Baylor Genetics
Classification: Likely pathogenic for Platelet-type bleeding disorder 15. Last evaluated: 2019-11-27. Review status: criteria provided, single submitter. Criteria: ACMG Guidelines, 2015. Collection method: clinical testing. Allele origin: unknown. Affected: yes.
Comment: This variant was determined to be likely pathogenic according to ACMG Guidelines, 2015 [PMID:25741868].

NIHR Bioresource Rare Diseases, University of Cambridge
Classification: Pathogenic for Macrothrombocytopenia. Last evaluated: 2019-02-01. Review status: criteria provided, single submitter. Criteria: ACMG Guidelines, 2015. Collection method: research. Allele origin: unknown. Affected: yes. Observed: 2 heterozygotes. Study: ThromboGenomics.

ISTH-SSC Genomics in Thrombosis and Hemostasis, KU Leuven, Center for Molecular and Vascular Biology
Classification: Pathogenic for Platelet-type bleeding disorder 15. Review status: criteria provided, single submitter. Criteria: ACMG Guidelines, 2015. Collection method: clinical testing. Allele origin: germline. Affected: yes. Observed: 2 heterozygotes. Clinical features observed: Macrothrombocytopenia, Large platelets, Grey platelets, Impaired flow cytometry with mildly reduced GPIb/IX expression.
Comment: Submitted to GoldVariant by Jose María Bastida and José Rivera; Grupo Español de Alteraciones Plaquetarias Congénitas (GEAPC)

OMIM
Classification: Pathogenic for BLEEDING DISORDER, PLATELET-TYPE, 15. Last evaluated: 2013-03-07. Review status: no assertion criteria provided. Collection method: literature only. Allele origin: germline. Not counted in ClinVar's aggregate classification.

Literature cited by the submitters: PubMed 25361813 (cited by Center for Genomic Medicine, Rigshospitalet, Copenhagen University Hospital and Labcorp Genetics (formerly Invitae), Labcorp); PubMed 24069336 (cited by Center for Genomic Medicine, Rigshospitalet, Copenhagen University Hospital and Labcorp Genetics (formerly Invitae), Labcorp); PubMed 23434115 (cited by 3 submitters); PubMed 31064749 (cited by NIHR Bioresource Rare Diseases, University of Cambridge).

NM_001130004.2(ACTN1):c.137G>A (p.Arg46Gln)

Gene: ACTN1 (actinin alpha 1; minus strand). Cytogenetic location: 14q24.1.
Variant type: single nucleotide variant.
Coding change: c.137G>A on transcript NM_001130004.2 (MANE Select); coding-DNA position 137, G replaced by A.
Protein change: p.Arg46Gln; replaces arginine 46 with glutamine.
Molecular consequence: missense variant.
Genome position (GRCh38, 1-based): chr14:68,925,641, C>T on the plus strand (G>A on the coding strand, the complement: ACTN1 is on the minus strand). VCF-style: chr14-68925641-C-T. GRCh37 (hg19) VCF-style: chr14-69392358-C-T.
Other names: c.137G>A, p.Arg46Gln (NM_001102.4, NM_001130005.2); short protein forms R46Q.
Identifiers: ClinVar variation 42031 (VCV000042031.13), dbSNP rs387907348, ClinGen allele CA130967.